The following is an entry in ClinVar:

NM_172107.4(KCNQ2):c.1490G>T (p.Arg497Leu)

Gene: KCNQ2 (potassium voltage-gated channel subfamily Q member 2; minus strand). Cytogenetic location: 20q13.33.
Variant type: single nucleotide variant.
Coding change: c.1490G>T on transcript NM_172107.4 (MANE Select); coding-DNA position 1490, G replaced by T.
Protein change: p.Arg497Leu; replaces arginine 497 with leucine.
Molecular consequence: missense variant.
Genome position (GRCh38, 1-based): chr20:63,414,938, C>A on the plus strand (G>T on the coding strand, the complement: KCNQ2 is on the minus strand). VCF-style: chr20-63414938-C-A. GRCh37 (hg19) VCF-style: chr20-62046291-C-A.
Other names: c.1436G>T, p.Arg479Leu (NM_001382235.1, NM_172106.3); c.1406G>T, p.Arg469Leu (NM_004518.6); c.1400G>T, p.Arg467Leu (NM_172108.5); short protein forms R469L, R479L, R467L, R497L.
Identifiers: ClinVar variation 2839218 (VCV002839218.3), dbSNP rs769414365, ClinGen allele CA409646219.
Genomic context (GRCh38, chr20:63,414,938, plus strand): 5'-CAGGAGAGGATGCGGCCACACCCACCTTCTGAGTTCTGCCGTGACGCGGCACCCTTGATG[C>A]GGAAAGCCTGGCGTGCCCGGCTGCGGTCCCCGAAGCTCCAGCTCTTGGGCACCTTGCTGG-3'
Protein context (NP_742105.1, residues 487-507): GDRSRARQAF[Arg497Leu]IKGAASRQNS

ClinVar aggregate classification (germline): Uncertain significance (1 of 4 stars; one submission).

Conditions:
Early-infantile DEE. Also called: Early infantile epileptic encephalopathy; Early infantile epileptic encephalopathy with suppression bursts; Ohtahara syndrome. Identifiers: Orphanet 1934, MedGen C0393706, MONDO:0800491.

gnomAD v4.1: 1 of 1,612,726 alleles (0.000062%); highest among the groups gnomAD compares: Non-Finnish European, 0.000085%; no homozygotes.

Submission:

Labcorp Genetics (formerly Invitae), Labcorp
Classification: Uncertain significance for Early-infantile DEE. Last evaluated: 2023-05-27. Review status: criteria provided, single submitter. Criteria: Invitae Variant Classification Sherloc (09022015). Collection method: clinical testing. Allele origin: germline.
Comment: In summary, the available evidence is currently insufficient to determine the role of this variant in disease. Therefore, it has been classified as a Variant of Uncertain Significance. An algorithm developed to predict the effect of missense changes on protein structure and function (PolyPhen-2) suggests that this variant is likely to be disruptive. This variant has not been reported in the literature in individuals affected with KCNQ2-related conditions. This variant is not present in population databases (gnomAD no frequency). This sequence change replaces arginine, which is basic and polar, with leucine, which is neutral and non-polar, at codon 497 of the KCNQ2 protein (p.Arg497Leu).